The following is an entry in ClinVar:

NM_012418.4(FSCN2):c.396dup (p.Val133fs)

Gene: FSCN2 (fascin actin-bundling protein 2, retinal; plus strand). Cytogenetic location: 17q25.3.
Variant type: Duplication.
Coding change: c.396dup on transcript NM_012418.4 (MANE Select); coding-DNA position 396, one base duplicated (C; older notation c.396dupC).
Protein change: p.Val133fs; shifts the reading frame from valine 133.
Molecular consequence: frameshift variant.
Genome position (GRCh38, 1-based): chr17:81,528,927, C duplicated; the last of 2 consecutive C bases (chr17:81,528,926-81,528,927); duplicating either gives the same sequence. VCF-style (leftmost placement, unchanged base first): chr17-81528925-A-AC. GRCh37 (hg19) VCF-style: chr17-79495951-A-AC.
Other names: c.396dup, p.Val133fs (NM_001077182.3); short protein forms V133fs.
Identifiers: ClinVar variation 1520170 (VCV001520170.6), dbSNP rs1168474541, ClinGen allele CA775657000.
Genomic context (GRCh38, chr17:81,528,925, plus strand): 5'-GGAGGCACCGAGGACCAGCTGTCCTGCTTCGCCACAGCCGTTTCCCCGGCCGAGCTGTGG[A>AC]CCGTGCACCTGGCCATCCACCCGCAGGCCCACCTGCTGAGCGTGAGCCGGCGGCGCTACG-3'

ClinVar aggregate classification (germline): Uncertain significance (1 of 4 stars; one submission).

Submission:

Labcorp Genetics (formerly Invitae), Labcorp
Classification: Uncertain significance. Last evaluated: 2025-02-10. Review status: criteria provided, single submitter. Criteria: Invitae Variant Classification Sherloc (09022015). Collection method: clinical testing. Allele origin: germline.
Comment: This sequence change creates a premature translational stop signal (p.Val133Argfs*58) in the FSCN2 gene. It is expected to result in an absent or disrupted protein product. However, the current clinical and genetic evidence is not sufficient to establish whether loss-of-function variants in FSCN2 cause disease. This variant is not present in population databases (gnomAD no frequency). This variant has not been reported in the literature in individuals affected with FSCN2-related conditions. ClinVar contains an entry for this variant (Variation ID: 1520170). In summary, the available evidence is currently insufficient to determine the role of this variant in disease. Therefore, it has been classified as a Variant of Uncertain Significance.